The following is an entry in ClinVar:

ClinVar aggregate classification (germline): Uncertain significance (1 of 4 stars; one submission).

Submission:

Labcorp Genetics (formerly Invitae), Labcorp
Classification: Uncertain significance. Last evaluated: 2025-06-29. Review status: criteria provided, single submitter. Criteria: Invitae Variant Classification Sherloc (09022015). Collection method: clinical testing. Allele origin: germline.
Comment: This sequence change replaces asparagine, which is neutral and polar, with isoleucine, which is neutral and non-polar, at codon 653 of the NBAS protein (p.Asn653Ile). This variant is not present in population databases (gnomAD no frequency). This variant has not been reported in the literature in individuals affected with NBAS-related conditions. Invitae Evidence Modeling of protein sequence and biophysical properties (such as structural, functional, and spatial information, amino acid conservation, physicochemical variation, residue mobility, and thermodynamic stability) indicates that this missense variant is not expected to disrupt NBAS protein function with a negative predictive value of 95%. In summary, the available evidence is currently insufficient to determine the role of this variant in disease. Therefore, it has been classified as a Variant of Uncertain Significance.

NM_015909.4(NBAS):c.1958A>T (p.Asn653Ile)

Gene: NBAS (NBAS subunit of NRZ tethering complex; minus strand). Cytogenetic location: 2p24.3.
Variant type: single nucleotide variant.
Coding change: c.1958A>T on transcript NM_015909.4 (MANE Select); coding-DNA position 1958, A replaced by T.
Protein change: p.Asn653Ile; replaces asparagine 653 with isoleucine.
Molecular consequence: missense variant. On other transcripts: non-coding transcript variant (1).
Genome position (GRCh38, 1-based): chr2:15,467,724, T>A on the plus strand (A>T on the coding strand, the complement: NBAS is on the minus strand). VCF-style: chr2-15467724-T-A. GRCh37 (hg19) VCF-style: chr2-15607848-T-A.
Other names: short protein forms N653I.
Identifiers: ClinVar variation 4746884 (VCV004746884.1).
Genomic context (GRCh38, chr2:15,467,724, plus strand): 5'-TTGGAAAAGTTCACTAATTTCAGTAGTTCTTGTCTCTTCTTGAGCTCCTTTTCCTTTTTA[T>A]TCTTGGCAGGCTCTTCATCAGGTGGTGAAAGCTCTTCATAGGAGATACTGTCAATGTCTA-3'
Protein context (NP_056993.2, residues 643-663): LSPPDEEPAK[Asn653Ile]KKEKELKKRQ